The following is an entry in ClinVar:

NC_000005.9:g.(?_90368244)_(90368441_?)del

Gene: ADGRV1 (adhesion G protein-coupled receptor V1; plus strand). Cytogenetic location: 5q14.3.
Variant type: Deletion.
Identifiers: ClinVar variation 3246537 (VCV003246537.1).

ClinVar aggregate classification (germline): Pathogenic (1 of 4 stars; one submission).

Submission:

Labcorp Genetics (formerly Invitae), Labcorp
Classification: Pathogenic. Last evaluated: 2024-01-08. Review status: criteria provided, single submitter. Criteria: Invitae Variant Classification Sherloc (09022015). Collection method: clinical testing. Allele origin: unknown.
Comment: This variant is a gross deletion of the genomic region encompassing exon(s) 86 of the ADGRV1 gene. This deletion is out-of-frame, and is expected to create a premature termination codon and result in an absent or disrupted protein product. Loss-of-function variants in ADGRV1 are known to be pathogenic (PMID: 19357117, 22135276, 22147658, 26226137, 30718709, 31047384, 32467589). This variant has not been reported in the literature in individuals affected with ADGRV1-related conditions. For these reasons, this variant has been classified as Pathogenic.

Literature cited by the submitters: PubMed 19357117; PubMed 22135276; PubMed 22147658; PubMed 26226137; PubMed 30718709; PubMed 31047384; PubMed 32467589.